The following is an entry in ClinVar:

ClinVar aggregate classification (germline): Uncertain significance (1 of 4 stars; one submission).

Submission:

Labcorp Genetics (formerly Invitae), Labcorp
Classification: Uncertain significance. Last evaluated: 2023-02-08. Review status: criteria provided, single submitter. Criteria: Invitae Variant Classification Sherloc (09022015). Collection method: clinical testing. Allele origin: germline.
Comment: In summary, the available evidence is currently insufficient to determine the role of this variant in disease. Therefore, it has been classified as a Variant of Uncertain Significance. Algorithms developed to predict the effect of missense changes on protein structure and function are either unavailable or do not agree on the potential impact of this missense change (SIFT: "Tolerated"; PolyPhen-2: "Possibly Damaging"; Align-GVGD: "Class C0"). This variant has not been reported in the literature in individuals affected with MKL1-related conditions. This variant is not present in population databases (gnomAD no frequency). This sequence change replaces glutamine, which is neutral and polar, with lysine, which is basic and polar, at codon 799 of the MKL1 protein (p.Gln799Lys).

NM_020831.6(MRTFA):c.2695C>A (p.Gln899Lys)

Gene: MRTFA (myocardin related transcription factor A; minus strand). Cytogenetic location: 22q13.1.
Variant type: single nucleotide variant.
Coding change: c.2695C>A on transcript NM_020831.6 (MANE Select); coding-DNA position 2695, C replaced by A.
Protein change: p.Gln899Lys; replaces glutamine 899 with lysine.
Molecular consequence: missense variant. On other transcripts: 3 prime UTR variant (1).
Genome position (GRCh38, 1-based): chr22:40,411,791, G>T on the plus strand (C>A on the coding strand, the complement: MRTFA is on the minus strand). VCF-style: chr22-40411791-G-T. GRCh37 (hg19) VCF-style: chr22-40807795-G-T.
Other names: c.2395C>A, p.Gln799Lys (NM_001282660.2); c.2545C>A, p.Gln849Lys (NM_001282661.3); c.*8C>A (NM_001282662.3); c.2500C>A, p.Gln834Lys (NM_001318139.2); short protein forms Q899K, Q799K, Q849K, Q834K.
Identifiers: ClinVar variation 2835617 (VCV002835617.3), dbSNP rs2517787424, ClinGen allele CA411653896.